The following is an entry in ClinVar:

NM_017780.4(CHD7):c.8908C>G (p.Leu2970Val)

Gene: CHD7 (chromodomain helicase DNA binding protein 7; plus strand). Cytogenetic location: 8q12.2.
Variant type: single nucleotide variant.
Coding change: c.8908C>G on transcript NM_017780.4 (MANE Select); coding-DNA position 8908, C replaced by G.
Protein change: p.Leu2970Val; replaces leucine 2970 with valine.
Molecular consequence: missense variant.
Genome position (GRCh38, 1-based): chr8:60,865,847, C>G. VCF-style: chr8-60865847-C-G. GRCh37 (hg19) VCF-style: chr8-61778406-C-G.
Other names: c.2761C>G, p.Leu921Val (NM_001316690.1); short protein forms L2970V, L921V.
Identifiers: ClinVar variation 3690869 (VCV003690869.2).

ClinVar aggregate classification (germline): Uncertain significance (1 of 4 stars; one submission).

Conditions:
CHARGE syndrome (CHARGE). Also called: Hittner Hirsch Kreh syndrome; CHARGE ASSOCIATION--COLOBOMA, HEART ANOMALY, CHOANAL ATRESIA, RETARDATION, GENITAL AND EAR ANOMALIES; Coloboma, heart anomaly, choanal atresia, retardation, genital and ear anomalies; CHARGE association; Hall-Hittner syndrome. Identifiers: Orphanet 138, MedGen C0265354, MONDO:0008965.

gnomAD v4.1: 1 of 1,613,270 alleles (0.000062%); highest among the groups gnomAD compares: South Asian, 0.0011%; no homozygotes.

Submission:

Labcorp Genetics (formerly Invitae), Labcorp
Classification: Uncertain significance for CHARGE syndrome. Last evaluated: 2024-04-22. Review status: criteria provided, single submitter. Criteria: Invitae Variant Classification Sherloc (09022015). Collection method: clinical testing. Allele origin: germline.
Comment: This sequence change replaces leucine, which is neutral and non-polar, with valine, which is neutral and non-polar, at codon 2970 of the CHD7 protein (p.Leu2970Val). This variant is not present in population databases (gnomAD no frequency). This variant has not been reported in the literature in individuals affected with CHD7-related conditions. Advanced modeling of protein sequence and biophysical properties (such as structural, functional, and spatial information, amino acid conservation, physicochemical variation, residue mobility, and thermodynamic stability) performed at Invitae indicates that this missense variant is not expected to disrupt CHD7 protein function with a negative predictive value of 95%. In summary, the available evidence is currently insufficient to determine the role of this variant in disease. Therefore, it has been classified as a Variant of Uncertain Significance.